The following is an entry in ClinVar:

ClinVar aggregate classification (germline): Uncertain significance (1 of 4 stars; one submission).

Conditions:
PCNT-related disorder. Also called: PCNT-related condition.

Submission:

PreventionGenetics, part of Exact Sciences
Classification: Uncertain significance for PCNT-related condition. Last evaluated: 2025-10-20. Review status: criteria provided, single submitter. Criteria: ACMG Guidelines, 2015. Collection method: clinical testing. Allele origin: germline.
Comment: The PCNT c.5828G>C variant is predicted to result in the amino acid substitution p.Cys1943Ser. To our knowledge, this variant has not been reported in the literature or in a large population database (gnomAD), indicating this variant is rare. At this time, the clinical significance of this variant is uncertain due to the absence of conclusive functional and genetic evidence.

NM_006031.6(PCNT):c.5828G>C (p.Cys1943Ser)

Gene: PCNT (pericentrin; plus strand). Cytogenetic location: 21q22.3.
Variant type: single nucleotide variant.
Coding change: c.5828G>C on transcript NM_006031.6 (MANE Select); coding-DNA position 5828, G replaced by C.
Protein change: p.Cys1943Ser; replaces cysteine 1943 with serine.
Molecular consequence: missense variant.
Genome position (GRCh38, 1-based): chr21:46,411,901, G>C. VCF-style: chr21-46411901-G-C. GRCh37 (hg19) VCF-style: chr21-47831815-G-C.
Other names: c.5474G>C, p.Cys1825Ser (NM_001315529.2); short protein forms C1825S, C1943S.
Identifiers: ClinVar variation 4991149 (VCV004991149.1).